The following is an entry in ClinVar:

ClinVar aggregate classification (germline): Uncertain significance. Review status: criteria provided, multiple submitters, no conflicts (2 of 4 stars). 2 submissions from 2 submitters: Uncertain significance (2). Last evaluated 2025-12-30.

Conditions:
Inborn genetic diseases. Identifiers: MedGen C0950123, MeSH D030342.
T-B+ severe combined immunodeficiency due to JAK3 deficiency. Also called: SCID, T CELL-NEGATIVE, B CELL-POSITIVE, NK CELL-NEGATIVE; SCID, autosomal recessive, T-negative/B-positive type. Identifiers: Orphanet 35078, MedGen C1833275, MONDO:0010938, OMIM 600802.

Allele frequency attached by ClinVar (database versions not stated): gnomAD exomes 0.00001.

Submissions (2):

Labcorp Genetics (formerly Invitae), Labcorp
Classification: Uncertain significance for T-B+ severe combined immunodeficiency due to JAK3 deficiency. Last evaluated: 2025-12-30. Review status: criteria provided, single submitter. Criteria: Invitae Variant Classification Sherloc (09022015). Collection method: clinical testing. Allele origin: germline.
Comment: This sequence change replaces leucine, which is neutral and non-polar, with phenylalanine, which is neutral and non-polar, at codon 262 of the JAK3 protein (p.Leu262Phe). The frequency data for this variant in the population databases is considered unreliable, as metrics indicate poor data quality at this position in the gnomAD database. This variant has not been reported in the literature in individuals affected with JAK3-related conditions. ClinVar contains an entry for this variant (Variation ID: 2735500). Invitae Evidence Modeling of protein sequence and biophysical properties (such as structural, functional, and spatial information, amino acid conservation, physicochemical variation, residue mobility, and thermodynamic stability) indicates that this missense variant is not expected to disrupt JAK3 protein function with a negative predictive value of 95%. In summary, the available evidence is currently insufficient to determine the role of this variant in disease. Therefore, it has been classified as a Variant of Uncertain Significance.

Ambry Genetics
Classification: Uncertain significance for Inborn genetic diseases. Last evaluated: 2024-08-11. Review status: criteria provided, single submitter. Criteria: Ambry Variant Classification Scheme 2023. Collection method: clinical testing. Allele origin: germline.

NM_000215.4(JAK3):c.784C>T (p.Leu262Phe)

Gene: JAK3 (Janus kinase 3; minus strand). Cytogenetic location: 19p13.11.
Variant type: single nucleotide variant.
Coding change: c.784C>T on transcript NM_000215.4 (MANE Select); coding-DNA position 784, C replaced by T.
Protein change: p.Leu262Phe; replaces leucine 262 with phenylalanine.
Molecular consequence: missense variant.
Genome position (GRCh38, 1-based): chr19:17,842,393, G>A on the plus strand (C>T on the coding strand, the complement: JAK3 is on the minus strand). VCF-style: chr19-17842393-G-A. GRCh37 (hg19) VCF-style: chr19-17953202-G-A.
Other names: short protein forms L262F.
Identifiers: ClinVar variation 2735500 (VCV002735500.4), dbSNP rs1017085435, ClinGen allele CA306140089.